The following is an entry in ClinVar:

ClinVar aggregate classification (germline): Uncertain significance. Review status: criteria provided, single submitter (1 of 4 stars). 3 submissions from 3 submitters: Uncertain significance (1). 2 of the submissions do not count toward it. Last evaluated 2022-08-01.

Conditions:
Cohen syndrome (COH1). Also called: Cutis verticis gyrata, retinitis pigmentosa, and sensorineural deafness; PEPPER SYNDROME. Identifiers: Orphanet 193, MedGen C0265223, MONDO:0008999, OMIM 216550.
VPS13B-related disorder. Also called: VPS13B-related condition.

Allele frequency attached by ClinVar (database versions not stated): gnomAD 0.00001; ExAC 0.00002; gnomAD exomes 0.00002; TOPMed 0.00003; ESP Exome Variant Server 0.00008.
gnomAD v4.1: 26 of 1,613,260 alleles (0.0016%); highest among the groups gnomAD compares: Non-Finnish European, 0.0022%; no homozygotes.

Submissions (3):

Labcorp Genetics (formerly Invitae), Labcorp
Classification: Uncertain significance for Cohen syndrome. Last evaluated: 2022-08-01. Review status: criteria provided, single submitter. Criteria: Invitae Variant Classification Sherloc (09022015). Collection method: clinical testing. Allele origin: germline.
Comment: This sequence change replaces aspartic acid, which is acidic and polar, with tyrosine, which is neutral and polar, at codon 1604 of the VPS13B protein (p.Asp1604Tyr). This variant is present in population databases (rs142708735, gnomAD 0.003%). This variant has not been reported in the literature in individuals affected with VPS13B-related conditions. ClinVar contains an entry for this variant (Variation ID: 970844). Algorithms developed to predict the effect of missense changes on protein structure and function are either unavailable or do not agree on the potential impact of this missense change (SIFT: "Not Available"; PolyPhen-2: "Probably Damaging"; Align-GVGD: "Not Available"). In summary, the available evidence is currently insufficient to determine the role of this variant in disease. Therefore, it has been classified as a Variant of Uncertain Significance.

PreventionGenetics, part of Exact Sciences
Classification: Uncertain significance for VPS13B-related condition. Last evaluated: 2023-12-30. Review status: no assertion criteria provided. Collection method: clinical testing. Allele origin: germline. Not counted in ClinVar's aggregate classification.
Comment: The VPS13B c.4735G>T variant is predicted to result in the amino acid substitution p.Asp1579Tyr. To our knowledge, this variant has not been reported in the literature. This variant is reported in 0.0035% of alleles in individuals of European (Non-Finnish) descent in gnomAD. At this time, the clinical significance of this variant is uncertain due to the absence of conclusive functional and genetic evidence.

Natera, Inc.
Classification: Uncertain significance for Cohen syndrome. Last evaluated: 2020-02-05. Review status: no assertion criteria provided. Collection method: clinical testing. Allele origin: germline. Not counted in ClinVar's aggregate classification.

NM_152564.5(VPS13B):c.4735G>T (p.Asp1579Tyr)

Gene: VPS13B (vacuolar protein sorting 13 homolog B; plus strand). Cytogenetic location: 8q22.2.
Variant type: single nucleotide variant.
Coding change: c.4735G>T on transcript NM_152564.5 (MANE Select); coding-DNA position 4735, G replaced by T.
Protein change: p.Asp1579Tyr; replaces aspartic acid 1579 with tyrosine.
Molecular consequence: missense variant.
Genome position (GRCh38, 1-based): chr8:99,521,000, G>T. VCF-style: chr8-99521000-G-T. GRCh37 (hg19) VCF-style: chr8-100533228-G-T.
Other names: c.4735G>T (NM_152564.4); c.4810G>T, p.Asp1604Tyr (NM_017890.5); short protein forms D1604Y, D1579Y.
Identifiers: ClinVar variation 970844 (VCV000970844.8), dbSNP rs142708735, ClinGen allele CA4823585.